The following is an entry in ClinVar:

NM_001958.5(EEF1A2):c.772G>A (p.Gly258Ser)

Gene: EEF1A2 (eukaryotic translation elongation factor 1 alpha 2; minus strand). Cytogenetic location: 20q13.33.
Variant type: single nucleotide variant.
Coding change: c.772G>A on transcript NM_001958.5 (MANE Select); coding-DNA position 772, G replaced by A.
Protein change: p.Gly258Ser; replaces glycine 258 with serine.
Molecular consequence: missense variant.
Genome position (GRCh38, 1-based): chr20:63,493,137, C>T on the plus strand (G>A on the coding strand, the complement: EEF1A2 is on the minus strand). VCF-style: chr20-63493137-C-T. GRCh37 (hg19) VCF-style: chr20-62124490-C-T.
Other names: c.772G>A (NM_001958.3); short protein forms G258S.
Identifiers: ClinVar variation 1007201 (VCV001007201.10), dbSNP rs2082398711, ClinGen allele CA409648588.

ClinVar aggregate classification (germline): Uncertain significance. Review status: criteria provided, multiple submitters, no conflicts (2 of 4 stars). 2 submissions from 2 submitters: Uncertain significance (2). Last evaluated 2026-04-09.

Conditions:
Developmental and epileptic encephalopathy, 33 (DEE33). Also called: Epileptic encephalopathy, early infantile, 33. Identifiers: Orphanet 442835, MedGen C4225337, MONDO:0014625, OMIM 616409.

Submissions (2):

GeneDx
Classification: Uncertain significance. Last evaluated: 2026-04-09. Review status: criteria provided, single submitter. Criteria: GeneDx Variant Classification Process June 2021. Collection method: clinical testing. Allele origin: germline.
Comment: Not observed at significant frequency in large population cohorts (gnomAD); In silico analysis supports that this missense variant has a deleterious effect on protein structure/function; Has not been previously published as pathogenic or benign to our knowledge

Labcorp Genetics (formerly Invitae), Labcorp
Classification: Uncertain significance for Developmental and epileptic encephalopathy, 33. Last evaluated: 2025-11-05. Review status: criteria provided, single submitter. Criteria: Invitae Variant Classification Sherloc (09022015). Collection method: clinical testing. Allele origin: germline.
Comment: This sequence change replaces glycine, which is neutral and non-polar, with serine, which is neutral and polar, at codon 258 of the EEF1A2 protein (p.Gly258Ser). This variant also falls at the last nucleotide of exon 5, which is part of the consensus splice site for this exon. This variant is not present in population databases (gnomAD no frequency). This variant has not been reported in the literature in individuals affected with EEF1A2-related conditions. ClinVar contains an entry for this variant (Variation ID: 1007201). An algorithm developed to predict the effect of missense changes on protein structure and function (PolyPhen-2) suggests that this variant is likely to be disruptive. Variants that disrupt the consensus splice site are a relatively common cause of aberrant splicing (PMID: 17576681, 9536098). Algorithms developed to predict the effect of sequence changes on RNA splicing suggest that this variant may disrupt the consensus splice site. In summary, the available evidence is currently insufficient to determine the role of this variant in disease. Therefore, it has been classified as a Variant of Uncertain Significance.

Literature cited by the submitters: PubMed 17576681 (cited by Labcorp Genetics (formerly Invitae), Labcorp); PubMed 9536098 (cited by Labcorp Genetics (formerly Invitae), Labcorp).